The following is an entry in ClinVar:

NM_018249.6(CDK5RAP2):c.3580A>G (p.Ile1194Val)

Gene: CDK5RAP2 (CDK5 regulatory subunit associated protein 2; minus strand). Cytogenetic location: 9q33.2.
Variant type: single nucleotide variant.
Coding change: c.3580A>G on transcript NM_018249.6 (MANE Select); coding-DNA position 3580, A replaced by G.
Protein change: p.Ile1194Val; replaces isoleucine 1194 with valine.
Molecular consequence: missense variant. On other transcripts: non-coding transcript variant (5).
Genome position (GRCh38, 1-based): chr9:120,439,541, T>C on the plus strand (A>G on the coding strand, the complement: CDK5RAP2 is on the minus strand). VCF-style: chr9-120439541-T-C. GRCh37 (hg19) VCF-style: chr9-123201819-T-C.
Other names: c.3580A>G, p.Ile1194Val (NM_001011649.3); c.2890A>G, p.Ile964Val (NM_001272039.2); c.3481A>G, p.Ile1161Val (NM_001410992.1); c.3484A>G, p.Ile1162Val (NM_001410993.1); c.3577A>G, p.Ile1193Val (NM_001410994.1); short protein forms I1161V, I1162V, I1193V, I1194V, I964V.
Identifiers: ClinVar variation 1710615 (VCV001710615.2), dbSNP rs2539034291, ClinGen allele CA374721225.
Genomic context (GRCh38, chr9:120,439,541, plus strand): 5'-GCAGCTTGTATTCCTGTTCCTCCAGCTGCTGTTTGAGGTTCTCCAGCACCCTGCTGTCAA[T>C]CATCTCTGGGGCCAGCGGACCGAGGATTTTCACGTGTTTCACGTATCGCACTTGGTGCAA-3'
Protein context (NP_060719.4, residues 1184-1204): KILGPLAPEM[Ile1194Val]DSRVLENLKQ

ClinVar aggregate classification (germline): Uncertain significance (1 of 4 stars; one submission).

Submission:

GeneDx
Classification: Uncertain significance. Last evaluated: 2022-04-15. Review status: criteria provided, single submitter. Criteria: GeneDx Variant Classification Process June 2021. Collection method: clinical testing. Allele origin: germline. Affected: yes.
Comment: Not observed at significant frequency in large population cohorts (gnomAD); Has not been previously published as pathogenic or benign to our knowledge